The following is an entry in ClinVar:

ClinVar aggregate classification (germline): Uncertain significance. Review status: criteria provided, multiple submitters, no conflicts (2 of 4 stars). 2 submissions from 2 submitters: Uncertain significance (2). Last evaluated 2025-05-23.

Conditions:
Congenital myasthenic syndrome 8. Also called: MYASTHENIC SYNDROME, CONGENITAL, DUE TO AGRIN DEFICIENCY; Myasthenic syndrome, congenital, 8, with pre- and postsynaptic defects. Identifiers: Orphanet 590, MedGen C3808739, MONDO:0014052, OMIM 615120.
Inborn genetic diseases. Identifiers: MedGen C0950123, MeSH D030342.

Allele frequency attached by ClinVar (database versions not stated): ExAC 0.00001; gnomAD 0.00001; gnomAD exomes 0.00001; TOPMed 0.00005.
gnomAD v4.1: 11 of 1,611,072 alleles (0.00068%); highest among the groups gnomAD compares: African/African-American, 0.0027%; no homozygotes.

Submissions (2):

Ambry Genetics
Classification: Uncertain significance for Inborn genetic diseases. Last evaluated: 2025-05-23. Review status: criteria provided, single submitter. Criteria: Ambry Variant Classification Scheme 2023. Collection method: clinical testing. Allele origin: germline.

Labcorp Genetics (formerly Invitae), Labcorp
Classification: Uncertain significance for Congenital myasthenic syndrome 8. Last evaluated: 2022-08-16. Review status: criteria provided, single submitter. Criteria: Invitae Variant Classification Sherloc (09022015). Collection method: clinical testing. Allele origin: germline.
Comment: In summary, the available evidence is currently insufficient to determine the role of this variant in disease. Therefore, it has been classified as a Variant of Uncertain Significance. Algorithms developed to predict the effect of missense changes on protein structure and function output the following: SIFT: "Deleterious"; PolyPhen-2: "Possibly Damaging"; Align-GVGD: "Class C0". The methionine amino acid residue is found in multiple mammalian species, which suggests that this missense change does not adversely affect protein function. ClinVar contains an entry for this variant (Variation ID: 582978). This variant has not been reported in the literature in individuals affected with AGRN-related conditions. The frequency data for this variant in the population databases is considered unreliable, as metrics indicate poor data quality at this position in the gnomAD database. This sequence change replaces threonine, which is neutral and polar, with methionine, which is neutral and non-polar, at codon 1902 of the AGRN protein (p.Thr1902Met).

NM_198576.4(AGRN):c.5705C>T (p.Thr1902Met)

Gene: AGRN (agrin; plus strand). Cytogenetic location: 1p36.33.
Variant type: single nucleotide variant.
Coding change: c.5705C>T on transcript NM_198576.4 (MANE Select); coding-DNA position 5705, C replaced by T.
Protein change: p.Thr1902Met; replaces threonine 1902 with methionine.
Molecular consequence: missense variant.
Genome position (GRCh38, 1-based): chr1:1,053,806, C>T. VCF-style: chr1-1053806-C-T. GRCh37 (hg19) VCF-style: chr1-989186-C-T.
Other names: c.5774C>T, p.Thr1925Met (NM_001305275.2); c.5402C>T, p.Thr1801Met (NM_001364727.2); short protein forms T1902M, T1925M, T1801M.
Identifiers: ClinVar variation 582978 (VCV000582978.9), dbSNP rs775047750, ClinGen allele CA510205.